The following is an entry in ClinVar:

ClinVar aggregate classification (germline): Uncertain significance. Review status: criteria provided, multiple submitters, no conflicts (2 of 4 stars). 2 submissions from 2 submitters: Uncertain significance (2). Last evaluated 2025-12-29.

Conditions:
Cardiovascular phenotype. Identifiers: MedGen CN230736.
Ehlers-Danlos syndrome, classic type, 1 (EDSCL1). Also called: EHLERS-DANLOS SYNDROME, GRAVIS TYPE; EHLERS-DANLOS SYNDROME, SEVERE CLASSIC TYPE; EDS I; Ehlers-Danlos Syndrome, Classic Type, COL5A1-Related; Ehlers-Danlos syndrome, type 1. Identifiers: MedGen C0268335, MONDO:0019567, OMIM 130000.
Osteogenesis imperfecta type I (OI1). Also called: OI, TYPE I; OSTEOGENESIS IMPERFECTA TARDA; OSTEOGENESIS IMPERFECTA WITH BLUE SCLERAE; Classic Non-deforming Osteogenesis Imperfecta with Blue Sclerae; Lobstein disease; Osteogenesis imperfecta type 1. Identifiers: Orphanet 216796, Orphanet 666, MedGen C0023931, MONDO:0008146, OMIM 166200. Disease mechanism: loss of function.

Allele frequency attached by ClinVar (database versions not stated): ESP Exome Variant Server 0.00008; TOPMed 0.00002; gnomAD 0.00005.

Submissions (2):

Ambry Genetics
Classification: Uncertain significance for Cardiovascular phenotype. Last evaluated: 2025-12-29. Review status: criteria provided, single submitter. Criteria: Ambry Variant Classification Scheme 2023. Collection method: clinical testing. Allele origin: germline.
Comment: The c.701G>A (p.R234H) alteration is located in exon 15 (coding exon 15) of the COL1A2 gene. This alteration results from a G to A substitution at nucleotide position 701, causing the arginine (R) at amino acid position 234 to be replaced by a histidine (H). Based on data from gnomAD, the A allele has an overall frequency of 0.003% (9/282846) total alleles studied. The highest observed frequency was 0.014% (1/7228) of Other alleles. Based on insufficient or conflicting evidence, the clinical significance of this alteration remains unclear.

Labcorp Genetics (formerly Invitae), Labcorp
Classification: Uncertain significance for Osteogenesis imperfecta type I; Ehlers-Danlos syndrome, classic type, 1. Last evaluated: 2025-12-11. Review status: criteria provided, single submitter. Criteria: Invitae Variant Classification Sherloc (09022015). Collection method: clinical testing. Allele origin: germline.
Comment: This sequence change replaces arginine, which is basic and polar, with histidine, which is basic and polar, at codon 234 of the COL1A2 protein (p.Arg234His). This variant is present in population databases (rs376341785, gnomAD 0.01%). This missense change has been observed in individual(s) with osteogenesis imperfecta (SOURCE: 39316135). ClinVar contains an entry for this variant (Variation ID: 456843). Invitae Evidence Modeling of protein sequence and biophysical properties (such as structural, functional, and spatial information, amino acid conservation, physicochemical variation, residue mobility, and thermodynamic stability) has been performed for this missense variant. However, the output from this modeling did not meet the statistical confidence thresholds required to predict the impact of this variant on COL1A2 protein function. In summary, the available evidence is currently insufficient to determine the role of this variant in disease. Therefore, it has been classified as a Variant of Uncertain Significance.

NM_000089.4(COL1A2):c.701G>A (p.Arg234His)

Gene: COL1A2 (collagen type I alpha 2 chain; plus strand). Cytogenetic location: 7q21.3.
Variant type: single nucleotide variant.
Coding change: c.701G>A on transcript NM_000089.4 (MANE Select); coding-DNA position 701, G replaced by A.
Protein change: p.Arg234His; replaces arginine 234 with histidine.
Molecular consequence: missense variant.
Genome position (GRCh38, 1-based): chr7:94,408,343, G>A. VCF-style: chr7-94408343-G-A. GRCh37 (hg19) VCF-style: chr7-94037655-G-A.
Other names: short protein forms R234H.
Identifiers: ClinVar variation 456843 (VCV000456843.13), dbSNP rs376341785, ClinGen allele CA4346784.